The following is an entry in ClinVar:

ClinVar aggregate classification (germline): Pathogenic (1 of 4 stars; one submission).

Conditions:
Allan-Herndon-Dudley syndrome (AHDS). Also called: Passos-Bueno syndrome; ALLAN-HERNDON SYNDROME; MENTAL RETARDATION AND MUSCULAR ATROPHY; T3 RESISTANCE; TRIIODOTHYRONINE RESISTANCE. Identifiers: Orphanet 59, MedGen C0795889, MONDO:0010354, OMIM 300523.

Submission:

Payam Genetics Center, General Welfare Department of North Khorasan Province
Classification: Pathogenic for Allan-Herndon-Dudley syndrome. Last evaluated: 2023-03-01. Review status: criteria provided, single submitter. Criteria: ACMG Guidelines, 2015. Collection method: clinical testing. Allele origin: germline. Affected: yes. Observed: 3 variant alleles.
Comment: The SLC16A2 c.1015dupT mutation (p.Phe388fs) is a frameshift mutation and its result is a truncated or nonfunctional protein. SLC16A2 gene is associated with X-linked recessive Allen-Hrendon-Dolly syndrome. This variant is not present in population databases (ExAC no frequency) , was not found in 1000G, Genom AD exome, and Iranom. This variant has not been reported in the literature in individuals affected with SLC16A2-related conditions. This variant predicted as Pathogenic according to ACMG.

NM_006517.5(SLC16A2):c.1015dup (p.Tyr339fs)

Gene: SLC16A2 (solute carrier family 16 member 2; plus strand). Cytogenetic location: Xq13.2.
Variant type: Duplication.
Coding change: c.1015dup on transcript NM_006517.5 (MANE Select); coding-DNA position 1015, one base duplicated (T; older notation c.1015dupT).
Protein change: p.Tyr339fs; shifts the reading frame from tyrosine 339.
Molecular consequence: frameshift variant.
Genome position (GRCh38, 1-based): chrX:74,524,798, T duplicated. VCF-style (leftmost placement, unchanged base first): chrX-74524797-C-CT. GRCh37 (hg19) VCF-style: chrX-73744632-C-CT.
Other names: c.1015dupT (NM_006517.5); short protein forms Y339fs.
Identifiers: ClinVar variation 2498285 (VCV002498285.2), dbSNP rs2519806877, ClinGen allele CA2580101379.